The following is an entry in ClinVar:

NM_002841.4(PTPRG):c.3766-12_3766-11insTTTTTTTTTTTTTTTTTTTTTTT

Genes: PTPRG (protein tyrosine phosphatase receptor type G; plus strand), PTPRG-AS1 (PTPRG antisense RNA 1; minus strand). Cytogenetic location: 3p14.2.
Variant type: Insertion.
Coding change: c.3766-12_3766-11insTTTTTTTTTTTTTTTTTTTTTTT on transcript NM_002841.4 (MANE Select); 12 bases into the intron before coding-DNA position 3766 through 11 bases into the intron before coding-DNA position 3766, TTTTTTTTTTTTTTTTTTTTTTT inserted.
Molecular consequence: intron variant.
Genome position: GRCh38 VCF-style: chr3-62281538-C-CTTTTTTTTTTTTTTTTTTTTTTT. GRCh37 (hg19) VCF-style: chr3-62267213-C-CTTTTTTTTTTTTTTTTTTTTTTT.
Other names: c.3679-12_3679-11insTTTTTTTTTTTTTTTTTTTTTTT (NM_001375471.1).
Identifiers: ClinVar variation 2653930 (VCV002653930.24), dbSNP rs60919586, ClinGen allele CA1048690413.

ClinVar aggregate classification (germline): Likely benign (1 of 4 stars; one submission).

Submission:

CeGaT Center for Human Genetics Tuebingen
Classification: Likely benign. Last evaluated: 2023-04-01. Review status: criteria provided, single submitter. Criteria: CeGaT Center For Human Genetics Tuebingen Variant Classification Criteria Version 2. Collection method: clinical testing. Allele origin: germline. Affected: yes. Observed: 2 variant alleles.
Comment: PTPRG: BS2